The following is an entry in ClinVar:

NM_002858.4(ABCD3):c.1300A>G (p.Ile434Val)

Gene: ABCD3 (ATP binding cassette subfamily D member 3; plus strand). Cytogenetic location: 1p21.3.
Variant type: single nucleotide variant.
Coding change: c.1300A>G on transcript NM_002858.4 (MANE Select); coding-DNA position 1300, A replaced by G.
Protein change: p.Ile434Val; replaces isoleucine 434 with valine.
Molecular consequence: missense variant.
Genome position (GRCh38, 1-based): chr1:94,489,953, A>G. VCF-style: chr1-94489953-A-G. GRCh37 (hg19) VCF-style: chr1-94955509-A-G.
Other names: short protein forms I434V.
Identifiers: ClinVar variation 4776476 (VCV004776476.1).

ClinVar aggregate classification (germline): Uncertain significance (1 of 4 stars; one submission).

Submission:

Labcorp Genetics (formerly Invitae), Labcorp
Classification: Uncertain significance. Last evaluated: 2025-02-07. Review status: criteria provided, single submitter. Criteria: Invitae Variant Classification Sherloc (09022015). Collection method: clinical testing. Allele origin: germline.
Comment: This sequence change replaces isoleucine, which is neutral and non-polar, with valine, which is neutral and non-polar, at codon 434 of the ABCD3 protein (p.Ile434Val). This variant is not present in population databases (gnomAD no frequency). This variant has not been reported in the literature in individuals affected with ABCD3-related conditions. An algorithm developed to predict the effect of missense changes on protein structure and function (PolyPhen-2) suggests that this variant is likely to be tolerated. In summary, the available evidence is currently insufficient to determine the role of this variant in disease. Therefore, it has been classified as a Variant of Uncertain Significance.